The following is an entry in ClinVar:

ClinVar aggregate classification (germline): Uncertain significance (1 of 4 stars; one submission).

Conditions:
Tuberous sclerosis 2 (TSC2). Identifiers: Orphanet 805, MedGen C1860707, MONDO:0013199, OMIM 613254.

Submission:

Labcorp Genetics (formerly Invitae), Labcorp
Classification: Uncertain significance for Tuberous sclerosis 2. Last evaluated: 2025-01-05. Review status: criteria provided, single submitter. Criteria: Invitae Variant Classification Sherloc (09022015). Collection method: clinical testing. Allele origin: germline.
Comment: This sequence change replaces alanine, which is neutral and non-polar, with aspartic acid, which is acidic and polar, at codon 2 of the TSC2 protein (p.Ala2Asp). This variant is not present in population databases (gnomAD no frequency). This variant has not been reported in the literature in individuals affected with TSC2-related conditions. Invitae Evidence Modeling of protein sequence and biophysical properties (such as structural, functional, and spatial information, amino acid conservation, physicochemical variation, residue mobility, and thermodynamic stability) indicates that this missense variant is not expected to disrupt TSC2 protein function with a negative predictive value of 95%. In summary, the available evidence is currently insufficient to determine the role of this variant in disease. Therefore, it has been classified as a Variant of Uncertain Significance.

NM_000548.5(TSC2):c.5C>A (p.Ala2Asp)

Gene: TSC2 (TSC complex subunit 2; plus strand). Cytogenetic location: 16p13.3.
Variant type: single nucleotide variant.
Coding change: c.5C>A on transcript NM_000548.5 (MANE Select); coding-DNA position 5, C replaced by A.
Protein change: p.Ala2Asp; replaces alanine 2 with aspartic acid.
Molecular consequence: missense variant. On other transcripts: 5 prime UTR variant (19), non-coding transcript variant (5), intron variant (6).
Genome position (GRCh38, 1-based): chr16:2,048,620, C>A. VCF-style: chr16-2048620-C-A. GRCh37 (hg19) VCF-style: chr16-2098621-C-A.
Other names: c.5C>A, p.Ala2Asp (NM_001077183.3, NM_001114382.3, NM_001318827.2 and 13 more transcripts); c.-222C>A (NM_001318831.2, NM_001406682.1, NM_001406684.1 and 2 more transcripts); c.38C>A, p.Ala13Asp (NM_001318832.2); c.-812C>A (NM_001406680.1, NM_001406683.1, NM_001406687.1); c.-441C>A (NM_001406681.1); c.-1427C>A (NM_001406689.1, NM_001406690.1, NM_001406691.1 and 2 more transcripts); c.-1733C>A (NM_001406693.1); c.-1308C>A (NM_001406694.1, NM_001406695.1); and 4 more; short protein forms A2D, A13D.
Identifiers: ClinVar variation 3637168 (VCV003637168.2).